The following is an entry in ClinVar:

ClinVar aggregate classification (germline): Uncertain significance. Review status: criteria provided, multiple submitters, no conflicts (2 of 4 stars). 2 submissions from 2 submitters: Uncertain significance (2). Last evaluated 2026-03-31.

Allele frequency attached by ClinVar (database versions not stated): gnomAD exomes below 0.00001.

Submissions (2):

GeneDx
Classification: Uncertain significance. Last evaluated: 2026-03-31. Review status: criteria provided, single submitter. Criteria: GeneDx Variant Classification Process June 2021. Collection method: clinical testing. Allele origin: germline.
Comment: Not observed at significant frequency in large population cohorts (gnomAD); In silico analysis suggests that this missense variant does not alter protein structure/function; Has not been previously published as pathogenic or benign to our knowledge

Labcorp Genetics (formerly Invitae), Labcorp
Classification: Uncertain significance. Last evaluated: 2023-08-17. Review status: criteria provided, single submitter. Criteria: Invitae Variant Classification Sherloc (09022015). Collection method: clinical testing. Allele origin: germline.
Comment: In summary, the available evidence is currently insufficient to determine the role of this variant in disease. Therefore, it has been classified as a Variant of Uncertain Significance. Advanced modeling of protein sequence and biophysical properties (such as structural, functional, and spatial information, amino acid conservation, physicochemical variation, residue mobility, and thermodynamic stability) performed at Invitae indicates that this missense variant is not expected to disrupt TBCK protein function. ClinVar contains an entry for this variant (Variation ID: 2417346). This variant has not been reported in the literature in individuals affected with TBCK-related conditions. This variant is present in population databases (no rsID available, gnomAD 0.0009%). This sequence change replaces asparagine, which is neutral and polar, with serine, which is neutral and polar, at codon 839 of the TBCK protein (p.Asn839Ser).

NM_001163435.3(TBCK):c.2516A>G (p.Asn839Ser)

Gene: TBCK (TBC1 domain containing kinase; minus strand). Cytogenetic location: 4q24.
Variant type: single nucleotide variant.
Coding change: c.2516A>G on transcript NM_001163435.3 (MANE Select); coding-DNA position 2516, A replaced by G.
Protein change: p.Asn839Ser; replaces asparagine 839 with serine.
Molecular consequence: missense variant.
Genome position (GRCh38, 1-based): chr4:106,095,537, T>C on the plus strand (A>G on the coding strand, the complement: TBCK is on the minus strand). VCF-style: chr4-106095537-T-C. GRCh37 (hg19) VCF-style: chr4-107016694-T-C.
Other names: c.2516A>G, p.Asn839Ser (NM_001163436.4); c.2399A>G, p.Asn800Ser (NM_001163437.3); c.2000A>G, p.Asn667Ser (NM_001290768.2); c.2327A>G, p.Asn776Ser (NM_033115.5); c.2516A>G (NM_001163435.2); short protein forms N667S, N776S, N800S, N839S.
Identifiers: ClinVar variation 2417346 (VCV002417346.6), dbSNP rs1215033098, ClinGen allele CA357970666.